The following is an entry in ClinVar:

ClinVar aggregate classification (germline): Benign/Likely benign. Review status: criteria provided, multiple submitters, no conflicts (2 of 4 stars). 19 submissions from 19 submitters: Benign (8); Likely benign (7). 4 of the submissions do not count toward it. Last evaluated 2026-09-01.

Conditions:
ZEB2-related disorder. Also called: ZEB2-related condition.
Inborn genetic diseases. Identifiers: MedGen C0950123, MeSH D030342.
Mowat-Wilson syndrome (MOWS). Also called: Classic Mowat-Wilson Syndrome. Identifiers: Orphanet 2152, MedGen C1856113, MONDO:0009341, OMIM 235730.

Allele frequency attached by ClinVar (database versions not stated): gnomAD 0.00199 and 0.00206; 1000 Genomes Project 0.00080; ExAC 0.00199; gnomAD exomes 0.00200 and 0.00334; ESP Exome Variant Server 0.00331; 1000 Genomes Project 30x 0.00062; TOPMed 0.00224.
gnomAD v4.1: 5,133 of 1,614,138 alleles (0.32%); highest among the groups gnomAD compares: Non-Finnish European, 0.41%; 9 homozygotes.

Submissions (19):

CeGaT Center for Human Genetics Tuebingen
Classification: Likely benign. Last evaluated: 2026-09-01. Review status: criteria provided, single submitter. Criteria: CeGaT Center For Human Genetics Tuebingen Variant Classification Criteria Version 2. Collection method: clinical testing. Allele origin: germline. Affected: yes. Observed: 22 variant alleles.
Comment: ZEB2: BP4, BS1

Labcorp Genetics (formerly Invitae), Labcorp
Classification: Likely benign for Mowat-Wilson syndrome. Last evaluated: 2026-02-03. Review status: criteria provided, single submitter. Criteria: Invitae Variant Classification Sherloc (09022015). Collection method: clinical testing. Allele origin: germline.

Blueprint Genetics
Classification: Likely benign. Last evaluated: 2024-11-26. Review status: criteria provided, single submitter. Criteria: ACMG Guidelines, 2015. Collection method: clinical testing. Allele origin: germline.

Genome-Nilou Lab
Classification: Benign for Mowat-Wilson syndrome. Last evaluated: 2021-11-07. Review status: criteria provided, single submitter. Criteria: ACMG Guidelines, 2015. Collection method: clinical testing. Allele origin: germline. Affected: no.

Fulgent Genetics
Classification: Likely benign for Mowat-Wilson syndrome. Last evaluated: 2021-07-06. Review status: criteria provided, single submitter. Criteria: ACMG Guidelines, 2015. Collection method: clinical testing. Allele origin: unknown.

Mayo Clinic Laboratories, Mayo Clinic
Classification: Benign. Last evaluated: 2020-01-14. Review status: criteria provided, single submitter. Criteria: ACMG Guidelines, 2015. Collection method: clinical testing. Allele origin: germline. Observed: 5 variant alleles.

Centre for Mendelian Genomics, University Medical Centre Ljubljana
Classification: Likely benign for Mowat-Wilson syndrome. Last evaluated: 2019-03-06. Review status: criteria provided, single submitter. Criteria: ACMG Guidelines, 2015. Collection method: clinical testing. Allele origin: unknown. Affected: yes.
Comment: This variant was classified as: Likely benign. The following ACMG criteria were applied in classifying this variant: BP1,BP6.

GeneDx
Classification: Benign. Last evaluated: 2018-03-08. Review status: criteria provided, single submitter. Criteria: GeneDx Variant Classification (06012015). Collection method: clinical testing. Allele origin: germline. Affected: yes.
Comment: This variant is considered likely benign or benign based on one or more of the following criteria: it is a conservative change, it occurs at a poorly conserved position in the protein, it is predicted to be benign by multiple in silico algorithms, and/or has population frequency not consistent with disease.

Genetic Services Laboratory, University of Chicago
Classification: Benign. Last evaluated: 2017-10-13. Review status: criteria provided, single submitter. Criteria: ACMG Guidelines, 2015. Collection method: clinical testing. Allele origin: germline. Affected: no.

Center for Pediatric Genomic Medicine, Children's Mercy Hospital and Clinics
Classification: Benign. Last evaluated: 2017-01-03. Review status: criteria provided, single submitter. Criteria: ACMG Guidelines, 2015. Collection method: clinical testing. Allele origin: germline.

Center for Human Genetics, Inc
Classification: Likely benign for Mowat-Wilson syndrome. Last evaluated: 2016-11-01. Review status: criteria provided, single submitter. Criteria: ACMG Guidelines, 2015. Collection method: clinical testing. Allele origin: germline. Affected: yes.

Athena Diagnostics
Classification: Benign. Last evaluated: 2016-07-13. Review status: criteria provided, single submitter. Criteria: Athena Diagnostics Criteria. Collection method: clinical testing. Allele origin: germline.

Ambry Genetics
Classification: Benign for Inborn genetic diseases. Last evaluated: 2016-06-13. Review status: criteria provided, single submitter. Criteria: Ambry Variant Classification Scheme 2023. Collection method: clinical testing. Allele origin: germline.

Eurofins Ntd Llc (ga)
Classification: Benign. Last evaluated: 2014-09-09. Review status: criteria provided, single submitter. Criteria: EGL Classification Definitions 2015. Collection method: clinical testing. Allele origin: germline. Observed: 3 variant alleles, 3 heterozygotes.

Breakthrough Genomics
Classification: Likely benign. Review status: criteria provided, single submitter. Criteria: ACMG Guidelines, 2015. Collection method: not provided. Allele origin: germline. Inheritance: Autosomal dominant inheritance. Affected: yes.

PreventionGenetics, part of Exact Sciences
Classification: Likely benign for ZEB2-related condition. Last evaluated: 2019-12-22. Review status: no assertion criteria provided. Collection method: clinical testing. Allele origin: germline. Not counted in ClinVar's aggregate classification.
Comment: This variant is classified as likely benign based on ACMG/AMP sequence variant interpretation guidelines (Richards et al. 2015 PMID: 25741868, with internal and published modifications).

Genomic Diagnostic Laboratory, Division of Genomic Diagnostics, Children's Hospital of Philadelphia
Classification: Likely benign. Last evaluated: 2015-01-30. Review status: no assertion criteria provided. Collection method: clinical testing. Allele origin: germline. Not counted in ClinVar's aggregate classification.

Clinical Genetics DNA and cytogenetics Diagnostics Lab, Erasmus MC, Erasmus Medical Center
Classification: Likely benign. Review status: no assertion criteria provided. Collection method: clinical testing. Allele origin: germline. Affected: yes. Study: VKGL Data-share Consensus. Not counted in ClinVar's aggregate classification.

Genome Diagnostics Laboratory, University Medical Center Utrecht
Classification: Likely benign. Review status: no assertion criteria provided. Collection method: clinical testing. Allele origin: germline. Affected: yes. Study: VKGL Data-share Consensus. Not counted in ClinVar's aggregate classification.

NM_014795.4(ZEB2):c.1480C>T (p.Pro494Ser)

Gene: ZEB2 (zinc finger E-box binding homeobox 2; minus strand). Cytogenetic location: 2q22.3.
Variant type: single nucleotide variant.
Coding change: c.1480C>T on transcript NM_014795.4 (MANE Select); coding-DNA position 1480, C replaced by T.
Protein change: p.Pro494Ser; replaces proline 494 with serine.
Molecular consequence: missense variant.
Genome position (GRCh38, 1-based): chr2:144,399,707, G>A on the plus strand (C>T on the coding strand, the complement: ZEB2 is on the minus strand). VCF-style: chr2-144399707-G-A. GRCh37 (hg19) VCF-style: chr2-145157274-G-A.
Other names: p.P494S:CCA>TCA; c.1408C>T, p.Pro470Ser (NM_001171653.2); short protein forms P494S, P470S.
Identifiers: ClinVar variation 95622 (VCV000095622.61), dbSNP rs144952836, ClinGen allele CA148672.
Genomic context (GRCh38, chr2:144,399,707, plus strand): 5'-GAAGACCGACAGGCGGAATATTAGGAGAAGTAACTCCTTGTTCCTCAGGTTGAGAGCATG[G>A]ATCCTTCATGTGATAACCTTTCAACTTTGAAATTTCTTCAGCCTTGCAGTCCATTTTTTG-3'
Protein context (NP_055610.1, residues 484-504): SKLKGYHMKD[Pro494Ser]CSQPEEQGVT